The following is an entry in ClinVar:

ClinVar aggregate classification (germline): Pathogenic (1 of 4 stars; one submission).

gnomAD v4.1: 1 of 1,613,576 alleles (0.000062%); highest among the groups gnomAD compares: African/African-American, 0.0013%; no homozygotes.

Submission:

Labcorp Genetics (formerly Invitae), Labcorp
Classification: Pathogenic. Last evaluated: 2022-01-27. Review status: criteria provided, single submitter. Criteria: Invitae Variant Classification Sherloc (09022015). Collection method: clinical testing. Allele origin: germline.
Comment: For these reasons, this variant has been classified as Pathogenic. This variant has not been reported in the literature in individuals affected with C6-related conditions. This variant is not present in population databases (gnomAD no frequency). This sequence change creates a premature translational stop signal (p.Cys127*) in the C6 gene. It is expected to result in an absent or disrupted protein product. Loss-of-function variants in C6 are known to be pathogenic (PMID: 17257682).

Literature cited by the submitters: PubMed 17257682.

NM_000065.5(C6):c.381C>A (p.Cys127Ter)

Gene: C6 (complement C6; minus strand). Cytogenetic location: 5p13.1.
Variant type: single nucleotide variant.
Coding change: c.381C>A on transcript NM_000065.5 (MANE Select); coding-DNA position 381, C replaced by A.
Protein change: p.Cys127Ter; replaces cysteine 127 with a stop codon.
Molecular consequence: nonsense.
Genome position (GRCh38, 1-based): chr5:41,199,832, G>T on the plus strand (C>A on the coding strand, the complement: C6 is on the minus strand). VCF-style: chr5-41199832-G-T. GRCh37 (hg19) VCF-style: chr5-41199934-G-T.
Other names: c.381C>A, p.Cys127Ter (NM_001115131.4); short protein forms C127*.
Identifiers: ClinVar variation 1390870 (VCV001390870.6), dbSNP rs1272010542, ClinGen allele CA359604653.